The following is an entry in ClinVar:

ClinVar aggregate classification (germline): Likely benign. Review status: criteria provided, multiple submitters, no conflicts (2 of 4 stars). 2 submissions from 2 submitters: Likely benign (2). Last evaluated 2023-01-28.

Allele frequency attached by ClinVar (database versions not stated): ExAC 0.00001; gnomAD 0.00001; gnomAD exomes 0.00001; TOPMed 0.00002.
gnomAD v4.1: 22 of 1,614,130 alleles (0.0014%); highest among the groups gnomAD compares: African/African-American, 0.0027%; no homozygotes.

Submissions (2):

Labcorp Genetics (formerly Invitae), Labcorp
Classification: Likely benign. Last evaluated: 2023-01-28. Review status: criteria provided, single submitter. Criteria: Invitae Variant Classification Sherloc (09022015). Collection method: clinical testing. Allele origin: germline.

GeneDx
Classification: Likely benign. Last evaluated: 2016-04-06. Review status: criteria provided, single submitter. Criteria: GeneDx Variant Classification (06012015). Collection method: clinical testing. Allele origin: germline. Affected: yes.
Comment: This variant is considered likely benign or benign based on one or more of the following criteria: it is a conservative change, it occurs at a poorly conserved position in the protein, it is predicted to be benign by multiple in silico algorithms, and/or has population frequency not consistent with disease.

NM_017837.4(PIGV):c.600T>C (p.Thr200=)

Gene: PIGV (phosphatidylinositol glycan anchor biosynthesis class V; plus strand). Cytogenetic location: 1p36.11.
Variant type: single nucleotide variant.
Coding change: c.600T>C on transcript NM_017837.4 (MANE Select); coding-DNA position 600, T replaced by C.
Protein change: p.Thr200=; no amino-acid change (threonine 200 retained).
Molecular consequence: synonymous variant. On other transcripts: non-coding transcript variant (1), intron variant (3).
Genome position (GRCh38, 1-based): chr1:26,794,634, T>C. VCF-style: chr1-26794634-T-C. GRCh37 (hg19) VCF-style: chr1-27121125-T-C.
Other names: c.600T>C, p.Thr200= (NM_001202554.2, NM_001374478.1, NM_001374480.1 and 2 more transcripts); c.219T>C, p.Thr73= (NM_001374483.1); c.173-200T>C (NM_001374484.1, NM_001374485.1); c.79-2929T>C (NM_001374486.1).
Identifiers: ClinVar variation 384974 (VCV000384974.4), dbSNP rs946539785, ClinGen allele CA708078.
Genomic context (GRCh38, chr1:26,794,634, plus strand): 5'-CATGGGGCAGCTGGAGAGGGGCCGAGTCTGGACTAGTGTACTCCTCTTTGCCTTTGCCAC[T>C]GGGGTACGCTCCAACGGGCTGGTCAGTGTTGGCTTCCTCATGCATTCTCAATGCCAAGGC-3'
Protein context (NP_060307.2, residues 190-210): WTSVLLFAFA[Thr200=]GVRSNGLVSV